The following is an entry in ClinVar:

ClinVar aggregate classification (germline): Pathogenic/Likely pathogenic. Review status: criteria provided, multiple submitters, no conflicts (2 of 4 stars). 11 submissions from 11 submitters: Pathogenic (2); Likely pathogenic (9). Last evaluated 2026-04-01.

Conditions:
Type 2 collagenopathy. Identifiers: Orphanet 93421, MedGen C2931073, MONDO:0022800.
COL2A1-related disorder. Also called: COL2A1-related condition; COL2A1-related disorders.
Inborn genetic diseases. Identifiers: MedGen C0950123, MeSH D030342.
Spondyloepimetaphyseal dysplasia, Strudwick type (SEMDSTWK). Also called: DAPPLED METAPHYSIS SYNDROME; STRUDWICK SYNDROME. Identifiers: Orphanet 93346, MedGen C0700635, MONDO:0008476, OMIM 184250.
Stickler syndrome type 1 (STL1). Also called: COL2A1-Related Stickler Syndrome; ARTHROOPHTHALMOPATHY, HEREDITARY PROGRESSIVE; STICKLER SYNDROME, MEMBRANOUS VITREOUS TYPE; STICKLER SYNDROME, VITREOUS TYPE 1. Identifiers: Orphanet 828, Orphanet 90653, MedGen C2020284, MONDO:0007160, OMIM 108300.

Submissions (11):

Department of Genetics, Sultan Qaboos University Hospital
Classification: Likely pathogenic for Spondyloepimetaphyseal dysplasia, Strudwick type. Last evaluated: 2026-04-01. Review status: criteria provided, single submitter. Criteria: ACMG Guidelines, 2015. Collection method: clinical testing. Allele origin: germline. Affected: yes. Observed: 1 variant allele.
Comment: PM2_Supporting, PS4_Moderate, PP3_Supporting, PP4_Strong

Variantyx, Inc.
Classification: Likely pathogenic for Stickler syndrome type 1. Last evaluated: 2026-01-13. Review status: criteria provided, single submitter. Criteria: Variantyx Assertion Criteria 2022. Collection method: clinical testing. Allele origin: germline. Inheritance: Autosomal dominant inheritance. Affected: yes.
Comment: This is an intronic variant in the COL2A1 gene (OMIM: 120140). Pathogenic variants in this gene have been associated with autosomal dominant Stickler syndrome type I. This variant has been reported in at least one affected individual (PMID: 26443184) (PS4_Moderate) and an alternate nucleotide substitution in this splice acceptor region (c.1996-1G>A) has been previously reported in two patients with Stickler syndrome PMID: 26443184) (PS1_Moderate). Algorithms that predict the potential impact of sequence variants on RNA splicing suggest that this variant may disrupt normal splicing (PP3). This variant is absent from control populations (PM2). Based on the current evidence, this variant is classified as likely pathogenic for autosomal dominant Stickler syndrome type I.This variant was reported by previous genetic testing.

PreventionGenetics, part of Exact Sciences
Classification: Likely pathogenic for COL2A1-related condition. Last evaluated: 2025-11-13. Review status: criteria provided, single submitter. Criteria: ACMG Guidelines, 2015. Collection method: clinical testing. Allele origin: germline.
Comment: The COL2A1 c.1996-9G>A variant is predicted to interfere with splicing. This variant has been reported in an individual with Stickler syndrome (Table S1, Barat-Houari et al. 2016. PubMed ID: 26443184). At PreventionGenetics, we have observed this variant in at least three Stickler Syndrome cases. This variant is absent in a large population database (gnomAD), indicating this variant is rare. This variant is interpreted as likely pathogenic.

Labcorp Genetics (formerly Invitae), Labcorp
Classification: Pathogenic. Last evaluated: 2025-08-17. Review status: criteria provided, single submitter. Criteria: Invitae Variant Classification Sherloc (09022015). Collection method: clinical testing. Allele origin: germline.
Comment: This sequence change falls in intron 30 of the COL2A1 gene. It does not directly change the encoded amino acid sequence of the COL2A1 protein. This variant is not present in population databases (gnomAD no frequency). This variant has been observed in individuals with clinical features of Stickler syndrome (PMID: 26443184; internal data). ClinVar contains an entry for this variant (Variation ID: 1067210). Algorithms developed to predict the effect of sequence changes on RNA splicing suggest that this variant may disrupt the consensus splice site. For these reasons, this variant has been classified as Pathogenic.

Institute of Medical Genetics and Applied Genomics, University Hospital Tübingen
Classification: Likely pathogenic for Stickler syndrome type 1. Last evaluated: 2025-07-29. Review status: criteria provided, single submitter. Criteria: ACMG Guidelines, 2015. Collection method: clinical testing. Allele origin: de novo. Inheritance: Autosomal dominant inheritance. Affected: yes.

Ambry Genetics
Classification: Likely pathogenic for Inborn genetic diseases. Last evaluated: 2025-03-21. Review status: criteria provided, single submitter. Criteria: Ambry Variant Classification Scheme 2023. Collection method: clinical testing. Allele origin: germline.
Comment: The c.1996-9G>A intronic alteration results from a G to A substitution 9 nucleotides before coding exon 31 in the COL2A1 gene. This variant was not reported in population-based cohorts in the Genome Aggregation Database (gnomAD). This variant has been reported in individual(s) with features consistent with Stickler syndrome (Barat-Houari, 2016; Guimaraes, 2023; external communication). In silico splice site analysis predicts that this alteration may weaken the native splice acceptor site and will result in the creation or strengthening of a novel splice acceptor site. Based on the available evidence, this alteration is classified as likely pathogenic.

Victorian Clinical Genetics Services, Murdoch Childrens Research Institute
Classification: Pathogenic for Type 2 collagenopathy. Last evaluated: 2024-12-23. Review status: criteria provided, single submitter. Criteria: ACMG Guidelines, 2015. Collection method: clinical testing. Allele origin: germline. Affected: yes.
Comment: This variant is classified as Pathogenic. Evidence in support of pathogenic classification: Variant is absent from gnomAD (v2, v3 and v4); This variant has strong previous evidence of pathogenicity in unrelated individuals. It has been classified as pathogenic and likely pathogenic by multiple clinical laboratories in individuals with suspected Stickler syndrome (ClinVar; personal communications). In addition, it has been reported in two unrelated individuals with Stickler syndrome, one of whom was also diagnosed with Legg-Calve-Perthes disease (PMIDs: 26443184, 31736238); Additional information: Non-coding variant without known or predicted effect; This variant is heterozygous; This gene is associated with autosomal dominant disease; No published segregation evidence has been identified for this variant; No published functional evidence has been identified for this variant; No comparable intronic variants have previous evidence for pathogenicity; Dominant negative and loss of function are known mechanisms of disease in this gene and are associated with COL2A1-related disorders. Loss of function variants have been reported to cause Stickler syndrome, whereas missense variants with a dominant negative effect on protein function result in spondyloepiphyseal or spondyloepimetaphyseal dysplasia (OMIM, PMID: 35052477, PMID: 15895462); Variants in this gene are known to have variable expressivity (PMID: 20301479).

Department of Genetics, Rouen University Hospital, Normandy Center for Genomic and Personalized Medicine
Classification: Likely pathogenic for Stickler syndrome type 1. Last evaluated: 2024-04-10. Review status: criteria provided, single submitter. Criteria: ACMG Guidelines, 2015. Collection method: clinical testing. Allele origin: paternal. Affected: yes.

Mendelics
Classification: Likely pathogenic. Last evaluated: 2024-04-09. Review status: criteria provided, single submitter. Criteria: Mendelics Assertion Criteria 2019. Collection method: clinical testing. Allele origin: germline.

GeneDx
Classification: Likely pathogenic. Last evaluated: 2021-05-20. Review status: criteria provided, single submitter. Criteria: GeneDx Variant Classification Process June 2021. Collection method: clinical testing. Allele origin: germline. Affected: yes.
Comment: Not observed in large population cohorts (Lek et al., 2016); In silico analysis supports a deleterious effect on splicing; Reported in ClinVar as likely pathogenic (ClinVar Variant ID# 1067210; Landrum et al., 2016); This variant is associated with the following publications: (PMID: 26443184)

Blueprint Genetics
Classification: Likely pathogenic for COL2A1-related disorders. Last evaluated: 2017-10-02. Review status: criteria provided, single submitter. Criteria: ACMG Guidelines, 2015. Collection method: clinical testing. Allele origin: germline. Affected: yes. Observed: 2 variant alleles.

Literature cited by the submitters: PubMed 26443184 (cited by 3 submitters); PubMed 26626311 (cited by Ambry Genetics); PubMed 36162969 (cited by Ambry Genetics); PubMed 20301479 (cited by Victorian Clinical Genetics Services, Murdoch Childrens Research Institute); PubMed 15895462 (cited by Victorian Clinical Genetics Services, Murdoch Childrens Research Institute); PubMed 31736238 (cited by Victorian Clinical Genetics Services, Murdoch Childrens Research Institute); PubMed 35052477 (cited by Victorian Clinical Genetics Services, Murdoch Childrens Research Institute).

NM_001844.5(COL2A1):c.1996-9G>A

Gene: COL2A1 (collagen type II alpha 1 chain; minus strand). Cytogenetic location: 12q13.11.
Variant type: single nucleotide variant.
Coding change: c.1996-9G>A on transcript NM_001844.5 (MANE Select); 9 bases into the intron before coding-DNA position 1996, G replaced by A.
Molecular consequence: intron variant.
Genome position (GRCh38, 1-based): chr12:47,983,447, C>T on the plus strand (G>A on the coding strand, the complement: COL2A1 is on the minus strand). VCF-style: chr12-47983447-C-T. GRCh37 (hg19) VCF-style: chr12-48377230-C-T.
Other names: c.1789-9G>A (NM_033150.3); c.1996-9G>A (NM_001844.4).
Identifiers: ClinVar variation 1067210 (VCV001067210.25), dbSNP rs2136555221, ClinGen allele CA2499221668.